The following is an entry in ClinVar:

ClinVar aggregate classification (germline): Likely pathogenic (1 of 4 stars; one submission).

Conditions:
Waardenburg syndrome type 1 (WS1). Also called: WAARDENBURG SYNDROME WITH DYSTOPIA CANTHORUM; Waardenburg Syndrome Type I. Identifiers: Orphanet 894, MedGen C1847800, MONDO:0008670, OMIM 193500.

Submission:

Institute of Rare Diseases, West China Hospital, Sichuan University
Classification: Likely pathogenic for Waardenburg syndrome type 1. Last evaluated: 2025-01-09. Review status: criteria provided, single submitter. Criteria: ClinGen HL ACMG Specifications v1. Collection method: research. Allele origin: germline. Affected: yes.
Comment: PM1;PS2;PM2_Supporting;PP3

NM_181458.4(PAX3):c.214A>T (p.Ile72Phe)

Gene: PAX3 (paired box 3; minus strand). Cytogenetic location: 2q36.1.
Variant type: single nucleotide variant.
Coding change: c.214A>T on transcript NM_181458.4 (MANE Select); coding-DNA position 214, A replaced by T.
Protein change: p.Ile72Phe; replaces isoleucine 72 with phenylalanine.
Molecular consequence: missense variant.
Genome position (GRCh38, 1-based): chr2:222,297,085, T>A on the plus strand (A>T on the coding strand, the complement: PAX3 is on the minus strand). VCF-style: chr2-222297085-T-A. GRCh37 (hg19) VCF-style: chr2-223161804-T-A.
Other names: c.214A>T, p.Ile72Phe (NM_000438.6, NM_001127366.3, NM_013942.5 and 4 more transcripts); short protein forms I72F.
Identifiers: ClinVar variation 3601574 (VCV003601574.1).